The following is an entry in ClinVar:

ClinVar aggregate classification (germline): Likely benign (0 of 4 stars; one submission).

Conditions:
SPEN-related disorder. Also called: SPEN-related condition.

Allele frequency attached by ClinVar (database versions not stated): ESP Exome Variant Server 0.00008; gnomAD exomes 0.00020; gnomAD 0.00031; TOPMed 0.00043; ExAC 0.00074.
gnomAD v4.1: 366 of 1,614,156 alleles (0.023%); highest among the groups gnomAD compares: East Asian, 0.58%; 2 homozygotes.

Submission:

PreventionGenetics, part of Exact Sciences
Classification: Likely benign for SPEN-related condition. Last evaluated: 2024-08-28. Review status: no assertion criteria provided. Collection method: clinical testing. Allele origin: germline.
Comment: This variant is classified as likely benign based on ACMG/AMP sequence variant interpretation guidelines (Richards et al. 2015 PMID: 25741868, with internal and published modifications).

NM_015001.3(SPEN):c.4185C>T (p.Ala1395=)

Gene: SPEN (spen family transcriptional repressor; plus strand). Cytogenetic location: 1p36.13.
Variant type: single nucleotide variant.
Coding change: c.4185C>T on transcript NM_015001.3 (MANE Select); coding-DNA position 4185, C replaced by T.
Protein change: p.Ala1395=; no amino-acid change (alanine 1395 retained).
Molecular consequence: synonymous variant.
Genome position (GRCh38, 1-based): chr1:15,930,425, C>T. VCF-style: chr1-15930425-C-T. GRCh37 (hg19) VCF-style: chr1-16256920-C-T.
Identifiers: ClinVar variation 3059104 (VCV003059104.2), dbSNP rs149714404, ClinGen allele CA619546.
Genomic context (GRCh38, chr1:15,930,425, plus strand): 5'-TGGTGAGGTGCCTTCTGATTCTGACGAAGATGGTGAACACAAATCCCACTCACCCAGAGC[C>T]TCTGCATTATATGAAAGTTCTCGATTGTCTTTTTTATTGAGGGACAGAGAAGACAAGCTA-3'
Protein context (NP_055816.2, residues 1385-1405): DGEHKSHSPR[Ala1395=]SALYESSRLS